The following is an entry in ClinVar:

NM_152564.5(VPS13B):c.1294A>G (p.Thr432Ala)

Gene: VPS13B (vacuolar protein sorting 13 homolog B; plus strand). Cytogenetic location: 8q22.2.
Variant type: single nucleotide variant.
Coding change: c.1294A>G on transcript NM_152564.5 (MANE Select); coding-DNA position 1294, A replaced by G.
Protein change: p.Thr432Ala; replaces threonine 432 with alanine.
Molecular consequence: missense variant.
Genome position (GRCh38, 1-based): chr8:99,134,719, A>G. VCF-style: chr8-99134719-A-G. GRCh37 (hg19) VCF-style: chr8-100146947-A-G.
Other names: c.1294A>G, p.Thr432Ala (NM_015243.3, NM_017890.5); c.1294A>G (NM_017890.3); short protein forms T432A.
Identifiers: ClinVar variation 956363 (VCV000956363.11), dbSNP rs1809982356, ClinGen allele CA371862065.
Genomic context (GRCh38, chr8:99,134,719, plus strand): 5'-TATTACAGTCCACAGAAAGTAAAATCTAAAGAAGTATTGTGTTGGGAACAAGAAGGAACT[A>G]CAGTTGAGGTAATCTTTCAATATTGAACCTGTATTTTTAAATATTTTGTTCTTTAATATT-3'
Protein context (NP_689777.3, residues 422-442): EVLCWEQEGT[Thr432Ala]VEALMMGEPF

ClinVar aggregate classification (germline): Uncertain significance. Review status: criteria provided, multiple submitters, no conflicts (2 of 4 stars). 3 submissions from 3 submitters: Uncertain significance (2). 1 of the submissions does not count toward it. Last evaluated 2026-02-25.

Conditions:
Inborn genetic diseases. Identifiers: MedGen C0950123, MeSH D030342.
Cohen syndrome (COH1). Also called: Cutis verticis gyrata, retinitis pigmentosa, and sensorineural deafness; PEPPER SYNDROME. Identifiers: Orphanet 193, MedGen C0265223, MONDO:0008999, OMIM 216550.

Allele frequency attached by ClinVar (database versions not stated): gnomAD exomes below 0.00001; TOPMed below 0.00001.
gnomAD v4.1: 2 of 1,606,000 alleles (0.00012%); highest among the groups gnomAD compares: Non-Finnish European, 0.00017%; no homozygotes.

Submissions (3):

Ambry Genetics
Classification: Uncertain significance for Inborn genetic diseases. Last evaluated: 2026-02-25. Review status: criteria provided, single submitter. Criteria: Ambry Variant Classification Scheme 2023. Collection method: clinical testing. Allele origin: germline.

Labcorp Genetics (formerly Invitae), Labcorp
Classification: Uncertain significance for Cohen syndrome. Last evaluated: 2022-06-04. Review status: criteria provided, single submitter. Criteria: Invitae Variant Classification Sherloc (09022015). Collection method: clinical testing. Allele origin: germline.
Comment: This sequence change replaces threonine, which is neutral and polar, with alanine, which is neutral and non-polar, at codon 432 of the VPS13B protein (p.Thr432Ala). This variant is not present in population databases (gnomAD no frequency). This variant has not been reported in the literature in individuals affected with VPS13B-related conditions. ClinVar contains an entry for this variant (Variation ID: 956363). Algorithms developed to predict the effect of missense changes on protein structure and function are either unavailable or do not agree on the potential impact of this missense change (SIFT: "Not Available"; PolyPhen-2: "Possibly Damaging"; Align-GVGD: "Not Available"). In summary, the available evidence is currently insufficient to determine the role of this variant in disease. Therefore, it has been classified as a Variant of Uncertain Significance.

Natera, Inc.
Classification: Uncertain significance for Cohen syndrome. Last evaluated: 2020-04-15. Review status: no assertion criteria provided. Collection method: clinical testing. Allele origin: germline. Not counted in ClinVar's aggregate classification.